The following is an entry in ClinVar:

ClinVar aggregate classification (germline): Benign (1 of 4 stars; one submission).

Allele frequency attached by ClinVar (database versions not stated): gnomAD 0.59916 and 0.65349.

Submission:

GeneDx
Classification: Benign. Last evaluated: 2018-06-18. Review status: criteria provided, single submitter. Criteria: GeneDx Variant Classification (06012015). Collection method: clinical testing. Allele origin: germline. Affected: yes.
Comment: This variant is considered likely benign or benign based on one or more of the following criteria: it is a conservative change, it occurs at a poorly conserved position in the protein, it is predicted to be benign by multiple in silico algorithms, and/or has population frequency not consistent with disease.

NM_000744.7(CHRNA4):c.384-196G>A

Gene: CHRNA4 (cholinergic receptor nicotinic alpha 4 subunit; minus strand). Cytogenetic location: 20q13.33.
Variant type: single nucleotide variant.
Coding change: c.384-196G>A on transcript NM_000744.7 (MANE Select); 196 bases into the intron before coding-DNA position 384, G replaced by A.
Molecular consequence: intron variant.
Genome position (GRCh38, 1-based): chr20:63,351,223, C>T on the plus strand (G>A on the coding strand, the complement: CHRNA4 is on the minus strand). VCF-style: chr20-63351223-C-T. GRCh37 (hg19) VCF-style: chr20-61982575-C-T.
Other names: c.-145-196G>A (NM_001256573.2).
Identifiers: ClinVar variation 679904 (VCV000679904.1), dbSNP rs8124039, ClinGen allele CA317436992.